The following is an entry in ClinVar:

ClinVar aggregate classification (germline): Uncertain significance. Review status: criteria provided, multiple submitters, no conflicts (2 of 4 stars). 2 submissions from 2 submitters: Uncertain significance (2). Last evaluated 2019-09-11.

Conditions:
X-linked lymphoproliferative disease due to SH2D1A deficiency (XLP1). Also called: DUNCAN DISEASE; IMMUNODEFICIENCY 5; IMMUNODEFICIENCY, X-LINKED PROGRESSIVE COMBINED VARIABLE; INFECTIOUS MONONUCLEOSIS, SEVERE, SUSCEPTIBILITY TO; PURTILO SYNDROME; SH2D1A-Related Lymphoproliferative Disease, X-Linked. Identifiers: Orphanet 2442, Orphanet 538931, MedGen C5399825, MONDO:0024551, OMIM 308240.

Allele frequency attached by ClinVar (database versions not stated): gnomAD exomes below 0.00001.
gnomAD v4.1: 2 of 1,167,869 alleles (0.00017%); highest among the groups gnomAD compares: Non-Finnish European, 0.00023%; no homozygotes.

Submissions (2):

Labcorp Genetics (formerly Invitae), Labcorp
Classification: Uncertain significance for X-linked lymphoproliferative disease due to SH2D1A deficiency. Last evaluated: 2019-09-11. Review status: criteria provided, single submitter. Criteria: Invitae Variant Classification Sherloc (09022015). Collection method: clinical testing. Allele origin: germline.
Comment: This sequence change replaces cysteine with serine at codon 124 of the SH2D1A protein (p.Cys124Ser). The cysteine residue is moderately conserved and there is a moderate physicochemical difference between cysteine and serine. This variant is not present in population databases (ExAC no frequency). This variant has not been reported in the literature in individuals with SH2D1A-related conditions. Algorithms developed to predict the effect of missense changes on protein structure and function (SIFT, PolyPhen-2, Align-GVGD) all suggest that this variant is likely to be tolerated, but these predictions have not been confirmed by published functional studies and their clinical significance is uncertain. In summary, the available evidence is currently insufficient to determine the role of this variant in disease. Therefore, it has been classified as a Variant of Uncertain Significance.

Illumina Laboratory Services, Illumina
Classification: Uncertain significance for X-linked lymphoproliferative disease due to SH2D1A deficiency. Last evaluated: 2018-01-13. Review status: criteria provided, single submitter. Criteria: ICSL Variant Classification Criteria 13 December 2019. Collection method: clinical testing. Allele origin: germline.

NM_002351.5(SH2D1A):c.371G>C (p.Cys124Ser)

Gene: SH2D1A (SH2 domain containing 1A; plus strand). Cytogenetic location: Xq25.
Variant type: single nucleotide variant.
Coding change: c.371G>C on transcript NM_002351.5 (MANE Select); coding-DNA position 371, G replaced by C.
Protein change: p.Cys124Ser; replaces cysteine 124 with serine.
Molecular consequence: missense variant.
Genome position (GRCh38, 1-based): chrX:124,371,375, G>C. VCF-style: chrX-124371375-G-C. GRCh37 (hg19) VCF-style: chrX-123505225-G-C.
Other names: c.362G>C, p.Cys121Ser (NM_001114937.3); short protein forms C121S, C124S.
Identifiers: ClinVar variation 913201 (VCV000913201.13), dbSNP rs2060068721, ClinGen allele CA414125147.